The following is an entry in ClinVar:

NM_001128425.2(MUTYH):c.42C>T (p.Ile14=)

Gene: MUTYH (mutY DNA glycosylase; minus strand). Cytogenetic location: 1p34.1.
Variant type: single nucleotide variant.
Coding change: c.42C>T on transcript NM_001128425.2 (MANE Plus Clinical); coding-DNA position 42, C replaced by T.
Protein change: p.Ile14=; no amino-acid change (isoleucine 14 retained).
Molecular consequence: synonymous variant. On other transcripts: 5 prime UTR variant (26), non-coding transcript variant (7).
Genome position (GRCh38, 1-based): chr1:45,334,506, G>A on the plus strand (C>T on the coding strand, the complement: MUTYH is on the minus strand). VCF-style: chr1-45334506-G-A. GRCh37 (hg19) VCF-style: chr1-45800178-G-A.
Other names: p.I14I:ATC>ATT; c.-1C>T (NM_001048171.2, NM_001048172.2, NM_001048173.2 and 16 more transcripts); c.42C>T, p.Ile14= (NM_001293190.2, NM_001407069.1, NM_001407073.1 and 1 more transcripts); c.-213C>T (NM_001293192.2, NM_001293196.2, NM_001407091.1); c.-272C>T (NM_001350650.2); c.-208C>T (NM_001350651.2, NM_001407082.1); c.-157C>T (NM_001407075.1); c.18C>T, p.Ile6= (NM_001407087.1).
Identifiers: ClinVar variation 138307 (VCV000138307.32), dbSNP rs202240122, ClinGen allele CA011900.

ClinVar aggregate classification (germline): Conflicting classifications of pathogenicity. Review status: criteria provided, conflicting classifications (1 of 4 stars). 12 submissions from 12 submitters: Uncertain significance (1); Benign (1); Likely benign (8). 2 of the submissions do not count toward it. Last evaluated 2026-02-02.

Conditions:
Hereditary cancer-predisposing syndrome. Also called: Tumor predisposition; Hereditary neoplastic syndrome; Neoplastic Syndromes, Hereditary; Hereditary Cancer Syndrome. Identifiers: Orphanet 140162, MedGen C0027672, MeSH D009386, MONDO:0015356.
Carcinoma of colon (CRC). Also called: Colonic carcinoma; Colon carcinoma. Identifiers: MedGen C0699790, MONDO:0002032.
Familial adenomatous polyposis 2. Also called: MUTYH-related attenuated familial adenomatous polyposis; MUTYH Polyposis; ADENOMAS, MULTIPLE COLORECTAL, AUTOSOMAL RECESSIVE; MUTYH-associated polyposis; MYH-associated polyposis; COLORECTAL ADENOMATOUS POLYPOSIS, AUTOSOMAL RECESSIVE. Identifiers: Orphanet 220460, Orphanet 247798, MedGen C3272841, MONDO:0012041, OMIM 608456.

Allele frequency attached by ClinVar (database versions not stated): ExAC 0.00007; gnomAD exomes 0.00010 and 0.00017; gnomAD 0.00016 and 0.00017; TOPMed 0.00016.
gnomAD v4.1: 277 of 1,613,946 alleles (0.017%); highest among the groups gnomAD compares: Non-Finnish European, 0.022%; no homozygotes.

Submissions (12):

Labcorp Genetics (formerly Invitae), Labcorp
Classification: Likely benign for Familial adenomatous polyposis 2. Last evaluated: 2026-02-02. Review status: criteria provided, single submitter. Criteria: Invitae Variant Classification Sherloc (09022015). Collection method: clinical testing. Allele origin: germline.

Quest Diagnostics Nichols Institute San Juan Capistrano
Classification: Likely benign. Last evaluated: 2025-07-31. Review status: criteria provided, single submitter. Criteria: Quest Diagnostics criteria. Collection method: clinical testing. Allele origin: unknown.

Blueprint Genetics
Classification: Likely benign. Last evaluated: 2024-07-30. Review status: criteria provided, single submitter. Criteria: ACMG Guidelines, 2015. Collection method: clinical testing. Allele origin: germline.

All of Us Research Program, National Institutes of Health
Classification: Likely benign for Familial adenomatous polyposis 2. Last evaluated: 2024-02-05. Review status: criteria provided, single submitter. Criteria: ACMG Guidelines, 2015. Collection method: clinical testing. Allele origin: germline. Inheritance: Autosomal recessive inheritance. Observed: 29 variant alleles, 29 heterozygotes.
Comment: This study involves interpretation of variants in research participants for the purpose of population health screening. Participant phenotype was not available at the time of variant classification. Additional details can be found in publication PMID: 35346344, PMCID: PMC8962531

Sema4
Classification: Likely benign for Hereditary cancer-predisposing syndrome. Last evaluated: 2021-04-10. Review status: criteria provided, single submitter. Criteria: Sema4 Curation Guidelines. Collection method: curation. Allele origin: germline.

Women's Health and Genetics/Laboratory Corporation of America, LabCorp
Classification: Likely benign. Last evaluated: 2019-08-29. Review status: criteria provided, single submitter. Criteria: LabCorp Variant Classification Summary - May 2015. Collection method: clinical testing. Allele origin: germline.

Illumina Laboratory Services, Illumina
Classification: Uncertain significance for Familial adenomatous polyposis 2. Last evaluated: 2017-04-28. Review status: criteria provided, single submitter. Criteria: ICSL Variant Classification Criteria 13 December 2019. Collection method: clinical testing. Allele origin: germline.
Comment: This variant was observed as part of a predisposition screen in an ostensibly healthy population. A literature search was performed for the gene, cDNA change, and amino acid change (where applicable). Publications were found based on this search. However, the evidence from the literature, in combination with allele frequency data from public databases where available, was not sufficient to rule this variant in or out of causing disease. Therefore, this variant is classified as a variant of unknown significance.

Color Diagnostics, LLC DBA Color Health
Classification: Likely benign for Hereditary cancer-predisposing syndrome. Last evaluated: 2016-11-29. Review status: criteria provided, single submitter. Criteria: ACMG Guidelines, 2015. Collection method: clinical testing. Allele origin: germline.

Ambry Genetics
Classification: Likely benign for Hereditary cancer-predisposing syndrome. Last evaluated: 2014-08-09. Review status: criteria provided, single submitter. Criteria: Ambry Variant Classification Scheme 2023. Collection method: clinical testing. Allele origin: germline.

GeneDx
Classification: Benign. Last evaluated: 2014-01-22. Review status: criteria provided, single submitter. Criteria: GeneDx Variant Classification (06012015). Collection method: clinical testing. Allele origin: germline. Affected: yes.
Comment: This variant is considered likely benign or benign based on one or more of the following criteria: it is a conservative change, it occurs at a poorly conserved position in the protein, it is predicted to be benign by multiple in silico algorithms, and/or has population frequency not consistent with disease.

Counsyl
Classification: Likely benign for Familial adenomatous polyposis 2. Last evaluated: 2017-07-14. Review status: no assertion criteria provided. Collection method: clinical testing. Allele origin: unknown. Not counted in ClinVar's aggregate classification.

Department of Pathology and Laboratory Medicine, Sinai Health System
Classification: Uncertain significance for Carcinoma of colon. Review status: no assertion criteria provided. Collection method: clinical testing. Allele origin: unknown. Affected: yes. Study: The Canadian Open Genetics Repository (COGR). Not counted in ClinVar's aggregate classification.
Comment: The MUTYH p.Ile14= variant was identified in 1 of 658 proband chromosomes (frequency: 0.0015) from individuals or families with FAP (Aretz_2006). The variant was also identified in dbSNP (ID: rs202240122) as With Likely benign, Uncertain significance allele, and in ClinVar (classified as benign by GeneDx; as likely benign by Ambry Genetics, Invitae, Color Genomics). The variant was not identified in COGR or UMD-LSDB databases. The variant was identified in control databases in 25 of 277226 chromosomes at a frequency of 0.0001 (Genome Aggregation Database Feb 27, 2017). It was observed in the following populations: African in 2 of 24032 chromosomes (freq: 0.0001), European in 23 of 126718 chromosomes (freq: 0.0002); it was not observed in the Other, Latino, Ashkenazi Jewish, East Asian, Finnish, and South Asian populations. The p.Ile14 variant is not expected to have clinical significance because it does not result in a change of amino acid and is not located in a known consensus splice site. However, 1 of 5 in silico or computational prediction software programs (SpliceSiteFinder, MaxEntScan, NNSPLICE, GeneSplicer, HumanSpliceFinder) predict a greater than 10% difference in splicing; this information is not predictive enough to assume pathogenicity. In summary, based on the above information the clinical significance of this variant cannot be determined with certainty at this time. This variant is classified as a variant of uncertain significance.

Literature cited by the submitters: PubMed 16557584 (cited by 4 submitters); PubMed 31874108 (cited by Quest Diagnostics Nichols Institute San Juan Capistrano); PubMed 20725929 (cited by Illumina Laboratory Services, Illumina).